The following is an entry in ClinVar:

NM_001039591.3(USP9X):c.2877G>A (p.Ser959=)

Gene: USP9X (ubiquitin specific peptidase 9 X-linked; plus strand). Cytogenetic location: Xp11.4.
Variant type: single nucleotide variant.
Coding change: c.2877G>A on transcript NM_001039591.3 (MANE Select); coding-DNA position 2877, G replaced by A.
Protein change: p.Ser959=; no amino-acid change (serine 959 retained).
Molecular consequence: synonymous variant.
Genome position (GRCh38, 1-based): chrX:41,170,235, G>A. VCF-style: chrX-41170235-G-A. GRCh37 (hg19) VCF-style: chrX-41029488-G-A.
Other names: c.2877G>A (NM_001039590.2); c.2877G>A, p.Ser959= (NM_001039590.3); c.2892G>A, p.Ser964= (NM_001410748.1, NM_001410749.1).
Identifiers: ClinVar variation 3005078 (VCV003005078.6), dbSNP rs2519225700, ClinGen allele CA516348611.
Genomic context (GRCh38, chrX:41,170,235, plus strand): 5'-GCTGATAGATCCTGCAGATGATAGAAAGTTGATTGGACAATTAAACTTAAAAGATAAATC[G>A]GTATGTATGTATAGTTAACAGATTTTTCAATAAAATCAAACCAGAGACTATCGTTTAATC-3'
Protein context (NP_001034680.2, residues 949-969): LIGQLNLKDK[Ser959=]LITAKLTQIS

ClinVar aggregate classification (germline): Conflicting classifications of pathogenicity. Review status: criteria provided, conflicting classifications (1 of 4 stars). 3 submissions from 3 submitters: Pathogenic (1); Uncertain significance (2). Last evaluated 2026-02-05.

Submissions (3):

GeneDx
Classification: Pathogenic. Last evaluated: 2026-02-05. Review status: criteria provided, single submitter. Criteria: GeneDx Variant Classification Process June 2021. Collection method: clinical testing. Allele origin: germline.
Comment: Internal targeted RNA studies in blood from a different patient referred for testing at GeneDx demonstrate this variant alters RNA splicing by damaging the natural splice donor site of intron 19 causing the retention of intron 19 and the generation of a stop codon between exons 19 and 20 that is predicted to result in protein truncation; Not observed at significant frequency in large population cohorts (gnomAD); Has not been previously published as pathogenic or benign to our knowledge

Labcorp Genetics (formerly Invitae), Labcorp
Classification: Uncertain significance. Last evaluated: 2023-02-18. Review status: criteria provided, single submitter. Criteria: Invitae Variant Classification Sherloc (09022015). Collection method: clinical testing. Allele origin: germline.
Comment: In summary, the available evidence is currently insufficient to determine the role of this variant in disease. Therefore, it has been classified as a Variant of Uncertain Significance. Variants that disrupt the consensus splice site are a relatively common cause of aberrant splicing (PMID: 17576681, 9536098). Algorithms developed to predict the effect of sequence changes on RNA splicing suggest that this variant may disrupt the consensus splice site. This variant has not been reported in the literature in individuals affected with USP9X-related conditions. This variant is not present in population databases (gnomAD no frequency). This sequence change affects codon 959 of the USP9X mRNA. It is a 'silent' change, meaning that it does not change the encoded amino acid sequence of the USP9X protein. This variant also falls at the last nucleotide of exon 19, which is part of the consensus splice site for this exon.

Blueprint Genetics
Classification: Uncertain significance. Last evaluated: 2019-11-18. Review status: criteria provided, single submitter. Criteria: ACMG Guidelines, 2015. Collection method: clinical testing. Allele origin: germline.

Literature cited by the submitters: PubMed 17576681 (cited by Labcorp Genetics (formerly Invitae), Labcorp); PubMed 9536098 (cited by Labcorp Genetics (formerly Invitae), Labcorp).